The following is an entry in ClinVar:

NM_020822.3(KCNT1):c.46G>C (p.Glu16Gln)

Gene: KCNT1 (potassium sodium-activated channel subfamily T member 1; plus strand). Cytogenetic location: 9q34.3.
Variant type: single nucleotide variant.
Coding change: c.46G>C on transcript NM_020822.3 (MANE Select); coding-DNA position 46, G replaced by C.
Protein change: p.Glu16Gln; replaces glutamic acid 16 with glutamine.
Molecular consequence: missense variant.
Genome position (GRCh38, 1-based): chr9:135,702,304, G>C. VCF-style: chr9-135702304-G-C. GRCh37 (hg19) VCF-style: chr9-138594150-G-C.
Other names: c.46G>C, p.Glu16Gln (NM_001272003.2); short protein forms E16Q.
Identifiers: ClinVar variation 840170 (VCV000840170.11), dbSNP rs1835063926, ClinGen allele CA375492563.

ClinVar aggregate classification (germline): Uncertain significance. Review status: criteria provided, multiple submitters, no conflicts (2 of 4 stars). 2 submissions from 2 submitters: Uncertain significance (2). Last evaluated 2024-09-09.

Conditions:
Developmental and epileptic encephalopathy, 14 (DEE14). Also called: Early infantile epileptic encephalopathy 14. Identifiers: Orphanet 293181, MedGen C3554195, MONDO:0013989, OMIM 614959.
Autosomal dominant nocturnal frontal lobe epilepsy 5. Also called: CILIARY DYSKINESIA, PRIMARY, 28, WITH SITUS INVERSUS; KCNT1-Related Epilepsy; Epilepsy, nocturnal frontal lobe, 5; CILIARY DYSKINESIA, PRIMARY, 28, WITHOUT SITUS INVERSUS. Identifiers: Orphanet 98784, MedGen C3554306, MONDO:0014002, OMIM 615005.

Submissions (2):

Labcorp Genetics (formerly Invitae), Labcorp
Classification: Uncertain significance for Autosomal dominant nocturnal frontal lobe epilepsy 5; Developmental and epileptic encephalopathy, 14. Last evaluated: 2024-09-09. Review status: criteria provided, single submitter. Criteria: Invitae Variant Classification Sherloc (09022015). Collection method: clinical testing. Allele origin: germline.
Comment: This sequence change replaces glutamic acid, which is acidic and polar, with glutamine, which is neutral and polar, at codon 16 of the KCNT1 protein (p.Glu16Gln). This variant is not present in population databases (gnomAD no frequency). This variant has not been reported in the literature in individuals affected with KCNT1-related conditions. ClinVar contains an entry for this variant (Variation ID: 840170). Invitae Evidence Modeling of protein sequence and biophysical properties (such as structural, functional, and spatial information, amino acid conservation, physicochemical variation, residue mobility, and thermodynamic stability) indicates that this missense variant is not expected to disrupt KCNT1 protein function with a negative predictive value of 95%. In summary, the available evidence is currently insufficient to determine the role of this variant in disease. Therefore, it has been classified as a Variant of Uncertain Significance.

Blueprint Genetics
Classification: Uncertain significance. Last evaluated: 2019-05-18. Review status: criteria provided, single submitter. Criteria: ACMG Guidelines, 2015. Collection method: clinical testing. Allele origin: germline.